The following is an entry in ClinVar:

NM_000059.4(BRCA2):c.1871C>G (p.Ala624Gly)

Gene: BRCA2 (BRCA2 DNA repair associated; plus strand). Cytogenetic location: 13q13.1.
Variant type: single nucleotide variant.
Coding change: c.1871C>G on transcript NM_000059.4 (MANE Select); coding-DNA position 1871, C replaced by G.
Protein change: p.Ala624Gly; replaces alanine 624 with glycine.
Molecular consequence: missense variant.
Genome position (GRCh38, 1-based): chr13:32,333,349, C>G. VCF-style: chr13-32333349-C-G. GRCh37 (hg19) VCF-style: chr13-32907486-C-G.
Other names: short protein forms A624G.
Identifiers: ClinVar variation 230122 (VCV000230122.14), dbSNP rs769698255, ClinGen allele CA10579511.

ClinVar aggregate classification (germline): Conflicting classifications of pathogenicity. Review status: criteria provided, conflicting classifications (1 of 4 stars). 4 submissions from 4 submitters: Uncertain significance (3); Likely benign (1). Last evaluated 2023-03-23.

Conditions:
Hereditary cancer-predisposing syndrome. Also called: Hereditary neoplastic syndrome; Hereditary Cancer Syndrome; Neoplastic Syndromes, Hereditary; Tumor predisposition. Identifiers: Orphanet 140162, MedGen C0027672, MeSH D009386, MONDO:0015356.
Hereditary breast ovarian cancer syndrome. Also called: Hereditary breast and ovarian cancer syndrome; Hereditary breast and ovarian cancer syndrome (HBOC); Breast and ovarian cancer; Hereditary breast and/or ovarian cancer syndrome; Hereditary breast and ovarian cancer; BRCA1- and BRCA2-Associated Hereditary Breast and Ovarian Cancer. Identifiers: Orphanet 145, MedGen C0677776, MeSH D061325, MONDO:0003582. Disease mechanism: loss of function.

Submissions (4):

University of Washington Department of Laboratory Medicine, University of Washington
Classification: Likely benign for Hereditary cancer-predisposing syndrome. Last evaluated: 2023-03-23. Review status: criteria provided, single submitter. Criteria: Dines et al. (Genet Med. 2020). Collection method: curation. Allele origin: germline.
Comment: Missense variant in a coldspot region where missense variants are very unlikely to be pathogenic (PMID:31911673).

BRCA2 exon 10 coldspot. Reclassification based on statistical prior probability.

Labcorp Genetics (formerly Invitae), Labcorp
Classification: Uncertain significance for Hereditary breast ovarian cancer syndrome. Last evaluated: 2023-01-26. Review status: criteria provided, single submitter. Criteria: Invitae Variant Classification Sherloc (09022015). Collection method: clinical testing. Allele origin: germline.
Comment: Advanced modeling of protein sequence and biophysical properties (such as structural, functional, and spatial information, amino acid conservation, physicochemical variation, residue mobility, and thermodynamic stability) performed at Invitae indicates that this missense variant is not expected to disrupt BRCA2 protein function. ClinVar contains an entry for this variant (Variation ID: 230122). This variant has not been reported in the literature in individuals affected with BRCA2-related conditions. This variant is not present in population databases (gnomAD no frequency). This sequence change replaces alanine, which is neutral and non-polar, with glycine, which is neutral and non-polar, at codon 624 of the BRCA2 protein (p.Ala624Gly). In summary, the available evidence is currently insufficient to determine the role of this variant in disease. Therefore, it has been classified as a Variant of Uncertain Significance.

Ambry Genetics
Classification: Uncertain significance for Hereditary cancer-predisposing syndrome. Last evaluated: 2022-02-08. Review status: criteria provided, single submitter. Criteria: Ambry Variant Classification Scheme 2023. Collection method: clinical testing. Allele origin: germline.
Comment: The p.A624G variant (also known as c.1871C>G), located in coding exon 9 of the BRCA2 gene, results from a C to G substitution at nucleotide position 1871. The alanine at codon 624 is replaced by glycine, an amino acid with similar properties. This amino acid position is poorly conserved in available vertebrate species. In addition, this alteration is predicted to be tolerated by in silico analysis. Since supporting evidence is limited at this time, the clinical significance of this alteration remains unclear.

Color Diagnostics, LLC DBA Color Health
Classification: Uncertain significance for Hereditary cancer-predisposing syndrome. Last evaluated: 2019-08-06. Review status: criteria provided, single submitter. Criteria: ACMG Guidelines, 2015. Collection method: clinical testing. Allele origin: germline.
Comment: This missense variant replaces alanine with glycine at codon 624 of the BRCA2 protein. Computational prediction tools and conservation analyses are inconclusive regarding the impact of this variant on the protein function. Computational splicing tools suggest that this variant may not impact RNA splicing. To our knowledge, functional assays have not been performed for this variant nor has this variant been reported in individuals affected with hereditary cancer in the literature. This variant has not been identified in the general population by the Genome Aggregation Database (gnomAD). Available evidence is insufficient to determine the role of this variant in disease conclusively. Therefore, this variant is classified as a Variant of Uncertain Significance.